The following is an entry in ClinVar:

NM_000890.5(KCNJ5):c.475G>T (p.Glu159Ter)

Gene: KCNJ5 (potassium inwardly rectifying channel subfamily J member 5; plus strand). Cytogenetic location: 11q24.3.
Variant type: single nucleotide variant.
Coding change: c.475G>T on transcript NM_000890.5 (MANE Select); coding-DNA position 475, G replaced by T.
Protein change: p.Glu159Ter; replaces glutamic acid 159 with a stop codon.
Molecular consequence: nonsense.
Genome position (GRCh38, 1-based): chr11:128,911,748, G>T. VCF-style: chr11-128911748-G-T. GRCh37 (hg19) VCF-style: chr11-128781643-G-T.
Other names: c.475G>T, p.Glu159Ter (NM_001354169.2); c.475G>T (NM_000890.3); short protein forms E159*.
Identifiers: ClinVar variation 1443930 (VCV001443930.7), dbSNP rs763940447, ClinGen allele CA230640472.

ClinVar aggregate classification (germline): Uncertain significance. Review status: criteria provided, multiple submitters, no conflicts (2 of 4 stars). 2 submissions from 2 submitters: Uncertain significance (2). Last evaluated 2025-09-25.

Conditions:
Long QT syndrome (LQTS). Identifiers: MedGen C0023976, MeSH D008133, MONDO:0002442. Disease mechanism: loss of function. Inheritance: Various modes of inheritance.
Cardiovascular phenotype. Identifiers: MedGen CN230736.

Allele frequency attached by ClinVar (database versions not stated): gnomAD 0.00001 and 0.00002; TOPMed 0.00003.

Submissions (2):

Labcorp Genetics (formerly Invitae), Labcorp
Classification: Uncertain significance for Long QT syndrome. Last evaluated: 2025-09-25. Review status: criteria provided, single submitter. Criteria: Invitae Variant Classification Sherloc (09022015). Collection method: clinical testing. Allele origin: germline.
Comment: This sequence change creates a premature translational stop signal (p.Glu159*) in the KCNJ5 gene. It is expected to result in an absent or disrupted protein product. However, the current clinical and genetic evidence is not sufficient to establish whether loss-of-function variants in KCNJ5 cause disease. This variant is not present in population databases (gnomAD no frequency). This variant has not been reported in the literature in individuals affected with KCNJ5-related conditions. ClinVar contains an entry for this variant (Variation ID: 1443930). In summary, the available evidence is currently insufficient to determine the role of this variant in disease. Therefore, it has been classified as a Variant of Uncertain Significance.

Ambry Genetics
Classification: Uncertain significance for Cardiovascular phenotype. Last evaluated: 2024-06-06. Review status: criteria provided, single submitter. Criteria: Ambry Variant Classification Scheme 2023. Collection method: clinical testing. Allele origin: germline.
Comment: The p.E159* variant (also known as c.475G>T), located in coding exon 1 of the KCNJ5 gene, results from a G to T substitution at nucleotide position 475. This changes the amino acid from a glutamic acid to a stop codon within coding exon 1. This alteration is expected to result in protein truncation or nonsense-mediated mRNA decay. However, loss of function of KCNJ5 has not been established as a mechanism of disease. Based on the available evidence, the clinical significance of this alteration remains unclear.